The following is an entry in ClinVar:

ClinVar aggregate classification (germline): Uncertain significance. Review status: criteria provided, multiple submitters, no conflicts (2 of 4 stars). 2 submissions from 2 submitters: Uncertain significance (2). Last evaluated 2024-11-05.

Allele frequency attached by ClinVar (database versions not stated): 1000 Genomes Project 0.00020.

Submissions (2):

Dasa
Classification: Uncertain significance. Last evaluated: 2024-11-05. Review status: criteria provided, single submitter. Criteria: DASA Assertion Criteria. Collection method: clinical testing. Allele origin: germline.
Comment: NM_001244008.2(KIF1A):c.2751G>T (p.Glu917Asp) is a missense variant that results in the substitution of glutamic acid with aspartic acid. This variant is rare in population databases. Computational prediction algorithms are consistent with a benign effect. The currently available literature and clinical evidence are not sufficient to establish a definitive association between this variant and the reported condition. Therefore, this variant is classified as a variant of uncertain significance.

GeneDx
Classification: Uncertain significance. Last evaluated: 2022-05-25. Review status: criteria provided, single submitter. Criteria: GeneDx Variant Classification Process June 2021. Collection method: clinical testing. Allele origin: germline. Affected: yes.
Comment: Located in an alternate transcript of the gene; Not observed at significant frequency in large population cohorts (gnomAD); In silico analysis supports that this missense variant does not alter protein structure/function; Has not been previously published as pathogenic or benign to our knowledge

NM_001244008.2(KIF1A):c.2751G>T (p.Glu917Asp)

Gene: KIF1A (kinesin family member 1A; minus strand). Cytogenetic location: 2q37.3.
Variant type: single nucleotide variant.
Coding change: c.2751G>T on transcript NM_001244008.2 (MANE Select); coding-DNA position 2751, G replaced by T.
Protein change: p.Glu917Asp; replaces glutamic acid 917 with aspartic acid.
Molecular consequence: missense variant. On other transcripts: intron variant (18).
Genome position (GRCh38, 1-based): chr2:240,757,426, C>A on the plus strand (G>T on the coding strand, the complement: KIF1A is on the minus strand). VCF-style: chr2-240757426-C-A. GRCh37 (hg19) VCF-style: chr2-241696843-C-A.
Other names: c.2826G>T, p.Glu942Asp (NM_001379631.1); c.2700G>T, p.Glu900Asp (NM_001379632.1); c.2724G>T, p.Glu908Asp (NM_001379633.1, NM_001379642.1, NM_001379645.1); c.2555+934G>T (NM_001379653.1, NM_001379650.1, NM_001379640.1 and 6 more transcripts); c.2657+934G>T (NM_001379635.1, NM_001330290.2, NM_001379646.1 and 1 more transcripts); c.2630+934G>T (NM_001379637.1, NM_001379648.1); c.2582+934G>T (NM_001320705.2, NM_001379638.1, NM_001330289.2); short protein forms E900D, E908D, E917D, E942D.
Identifiers: ClinVar variation 1801032 (VCV001801032.3), dbSNP rs537608637, ClinGen allele CA68169763.